The following is an entry in ClinVar:

ClinVar aggregate classification (germline): Uncertain significance (1 of 4 stars; one submission).

Submission:

Ambry Genetics
Classification: Uncertain significance. Last evaluated: 2024-07-27. Review status: criteria provided, single submitter. Criteria: Ambry Variant Classification Scheme 2023. Collection method: clinical testing. Allele origin: germline.
Comment: The p.E1706D variant (also known as c.5118G>C), located in coding exon 16 of the POLQ gene, results from a G to C substitution at nucleotide position 5118. The glutamic acid at codon 1706 is replaced by aspartic acid, an amino acid with highly similar properties. This amino acid position is conserved. In addition, this alteration is predicted to be tolerated by in silico analysis. Based on the available evidence, the clinical significance of this variant remains unclear.

NM_199420.4(POLQ):c.5118G>C (p.Glu1706Asp)

Gene: POLQ (DNA polymerase theta; minus strand). Cytogenetic location: 3q13.33.
Variant type: single nucleotide variant.
Coding change: c.5118G>C on transcript NM_199420.4 (MANE Select); coding-DNA position 5118, G replaced by C.
Protein change: p.Glu1706Asp; replaces glutamic acid 1706 with aspartic acid.
Molecular consequence: missense variant.
Genome position (GRCh38, 1-based): chr3:121,487,813, C>G on the plus strand (G>C on the coding strand, the complement: POLQ is on the minus strand). VCF-style: chr3-121487813-C-G. GRCh37 (hg19) VCF-style: chr3-121206660-C-G.
Other names: short protein forms E1706D.
Identifiers: ClinVar variation 3422474 (VCV003422474.1).